The following is an entry in ClinVar:

ClinVar aggregate classification (germline): Pathogenic (1 of 4 stars; one submission).

Conditions:
Jeune thoracic dystrophy. Also called: Short-rib thoracic dysplasia; Jeune syndrome; Infantile thoracic dystrophy; Thoracic pelvic phalangeal dystrophy; Jeune's syndrome; Chondroectodermal dysplasia-like syndrome. Identifiers: Orphanet 474, MedGen C0265275, MONDO:0018770.

Allele frequency attached by ClinVar (database versions not stated): gnomAD exomes below 0.00001; TOPMed 0.00002.

Submission:

Labcorp Genetics (formerly Invitae), Labcorp
Classification: Pathogenic for Jeune thoracic dystrophy. Last evaluated: 2025-05-25. Review status: criteria provided, single submitter. Criteria: Invitae Variant Classification Sherloc (09022015). Collection method: clinical testing. Allele origin: germline.
Comment: This sequence change creates a premature translational stop signal (p.Glu300Thrfs*22) in the IFT80 gene. It is expected to result in an absent or disrupted protein product. Loss-of-function variants in IFT80 are known to be pathogenic (PMID: 21227999, 23339108, 29068549). This variant is not present in population databases (gnomAD no frequency). This variant has not been reported in the literature in individuals affected with IFT80-related conditions. ClinVar contains an entry for this variant (Variation ID: 1435198). For these reasons, this variant has been classified as Pathogenic.

Literature cited by the submitters: PubMed 21227999; PubMed 23339108; PubMed 29068549.

NM_020800.3(IFT80):c.898_899del (p.Glu300fs)

Genes: IFT80 (intraflagellar transport 80; minus strand), TRIM59-IFT80 (TRIM59-IFT80 readthrough (NMD candidate); minus strand). Cytogenetic location: 3q25.33.
Variant type: Deletion.
Coding change: c.898_899del on transcript NM_020800.3 (MANE Select); coding-DNA positions 898 to 899, 2 bases deleted (GA; older notation c.898_899delGA).
Protein change: p.Glu300fs; shifts the reading frame from glutamic acid 300.
Molecular consequence: frameshift variant. On other transcripts: non-coding transcript variant (3).
Genome position (GRCh38, 1-based): chr3:160,319,818-160,319,819, TC deleted on the plus strand (GA on the coding strand, the reverse complement: IFT80 is on the minus strand). VCF-style (leftmost placement, unchanged base first): chr3-160319817-TTC-T. GRCh37 (hg19) VCF-style: chr3-160037605-TTC-T.
Other names: c.487_488del, p.Glu163fs (NM_001190241.2, NM_001190242.2); short protein forms E300fs, E163fs.
Identifiers: ClinVar variation 1435198 (VCV001435198.6), dbSNP rs1450731316, ClinGen allele CA901525728.